The following is an entry in ClinVar:

ClinVar aggregate classification (germline): Benign/Likely benign. Review status: criteria provided, multiple submitters, no conflicts (2 of 4 stars). 2 submissions from 2 submitters: Benign (1); Likely benign (1). Last evaluated 2026-06-01.

Allele frequency attached by ClinVar (database versions not stated): TOPMed 0.00138; ESP Exome Variant Server 0.00157; gnomAD 0.00169 and 0.00177; gnomAD exomes 0.00175; ExAC 0.00543.
gnomAD v4.1: 3,325 of 1,549,838 alleles (0.21%); highest among the groups gnomAD compares: Non-Finnish European, 0.27%; 5 homozygotes.

Submissions (2):

CeGaT Center for Human Genetics Tuebingen
Classification: Likely benign. Last evaluated: 2026-06-01. Review status: criteria provided, single submitter. Criteria: CeGaT Center For Human Genetics Tuebingen Variant Classification Criteria Version 2. Collection method: clinical testing. Allele origin: germline. Affected: yes. Observed: 6 variant alleles.
Comment: SMARCA5: BP4, BP7, BS1

Labcorp Genetics (formerly Invitae), Labcorp
Classification: Benign. Last evaluated: 2019-12-31. Review status: criteria provided, single submitter. Criteria: Invitae Variant Classification Sherloc (09022015). Collection method: clinical testing. Allele origin: germline.

NM_003601.4(SMARCA5):c.78C>T (p.Ser26=)

Genes: SMARCA5 (SNF2 related chromatin remodeling ATPase 5; plus strand), SMARCA5-AS1 (SMARCA5 antisense RNA 1; minus strand). Cytogenetic location: 4q31.21.
Variant type: single nucleotide variant.
Coding change: c.78C>T on transcript NM_003601.4 (MANE Select); coding-DNA position 78, C replaced by T.
Protein change: p.Ser26=; no amino-acid change (serine 26 retained).
Molecular consequence: synonymous variant. On other transcripts: non-coding transcript variant (1).
Genome position (GRCh38, 1-based): chr4:143,514,002, C>T. VCF-style: chr4-143514002-C-T. GRCh37 (hg19) VCF-style: chr4-144435155-C-T.
Identifiers: ClinVar variation 740035 (VCV000740035.17), dbSNP rs370709174, ClinGen allele CA3090832.